The following is an entry in ClinVar:

ClinVar aggregate classification (germline): Uncertain significance (1 of 4 stars; one submission).

Conditions:
Cardiovascular phenotype. Identifiers: MedGen CN230736.

Allele frequency attached by ClinVar (database versions not stated): gnomAD exomes below 0.00001.

Submission:

Ambry Genetics
Classification: Uncertain significance for Cardiovascular phenotype. Last evaluated: 2021-03-30. Review status: criteria provided, single submitter. Criteria: Ambry Variant Classification Scheme 2023. Collection method: clinical testing. Allele origin: germline.
Comment: The p.M82R variant (also known as c.245T>G), located in coding exon 1 of the FOXE3 gene, results from a T to G substitution at nucleotide position 245. The methionine at codon 82 is replaced by arginine, an amino acid with similar properties. This amino acid position is highly conserved in available vertebrate species. In addition, this alteration is predicted to be deleterious by in silico analysis. Since supporting evidence is limited at this time, the clinical significance of this alteration remains unclear.

NM_012186.3(FOXE3):c.245T>G (p.Met82Arg)

Genes: FOXE3 (forkhead box E3; plus strand), LINC01389 (long intergenic non-protein coding RNA 1389; minus strand). Cytogenetic location: 1p33.
Variant type: single nucleotide variant.
Coding change: c.245T>G on transcript NM_012186.3 (MANE Select); coding-DNA position 245, T replaced by G.
Protein change: p.Met82Arg; replaces methionine 82 with arginine.
Molecular consequence: missense variant.
Genome position (GRCh38, 1-based): chr1:47,416,560, T>G. VCF-style: chr1-47416560-T-G. GRCh37 (hg19) VCF-style: chr1-47882232-T-G.
Other names: short protein forms M82R.
Identifiers: ClinVar variation 1791618 (VCV001791618.2), dbSNP rs2521316737, ClinGen allele CA340249320.